The following is an entry in ClinVar:

NM_000346.4(SOX9):c.593T>A (p.Ile198Asn)

Gene: SOX9 (SRY-box transcription factor 9; plus strand). Cytogenetic location: 17q24.3.
Variant type: single nucleotide variant.
Coding change: c.593T>A on transcript NM_000346.4 (MANE Select); coding-DNA position 593, T replaced by A.
Protein change: p.Ile198Asn; replaces isoleucine 198 with asparagine.
Molecular consequence: missense variant.
Genome position (GRCh38, 1-based): chr17:72,122,880, T>A. VCF-style: chr17-72122880-T-A. GRCh37 (hg19) VCF-style: chr17-70119021-T-A.
Other names: short protein forms I198N.
Identifiers: ClinVar variation 3713823 (VCV003713823.2).

ClinVar aggregate classification (germline): Uncertain significance (1 of 4 stars; one submission).

Conditions:
Camptomelic dysplasia (CMPD). Also called: CMPD1/SRA1; Campomelic Dysplasia. Identifiers: Orphanet 140, MedGen C1861922, MONDO:0007251, OMIM 114290.

gnomAD v4.1: 3 of 1,613,870 alleles (0.00019%); highest among the groups gnomAD compares: Non-Finnish European, 0.00025%; no homozygotes.

Submission:

Labcorp Genetics (formerly Invitae), Labcorp
Classification: Uncertain significance for Camptomelic dysplasia. Last evaluated: 2024-07-31. Review status: criteria provided, single submitter. Criteria: Invitae Variant Classification Sherloc (09022015). Collection method: clinical testing. Allele origin: germline.
Comment: This sequence change replaces isoleucine, which is neutral and non-polar, with asparagine, which is neutral and polar, at codon 198 of the SOX9 protein (p.Ile198Asn). The frequency data for this variant in the population databases is considered unreliable, as metrics indicate poor data quality at this position in the gnomAD database. This variant has not been reported in the literature in individuals affected with SOX9-related conditions. Advanced modeling of protein sequence and biophysical properties (such as structural, functional, and spatial information, amino acid conservation, physicochemical variation, residue mobility, and thermodynamic stability) has been performed at Invitae for this missense variant, however the output from this modeling did not meet the statistical confidence thresholds required to predict the impact of this variant on SOX9 protein function. In summary, the available evidence is currently insufficient to determine the role of this variant in disease. Therefore, it has been classified as a Variant of Uncertain Significance.